The following is an entry in ClinVar:

ClinVar aggregate classification (germline): Uncertain significance (1 of 4 stars; one submission).

Conditions:
Hereditary cancer-predisposing syndrome. Also called: Tumor predisposition; Hereditary Cancer Syndrome; Neoplastic Syndromes, Hereditary; Hereditary neoplastic syndrome. Identifiers: Orphanet 140162, MedGen C0027672, MeSH D009386, MONDO:0015356.

Submission:

Ambry Genetics
Classification: Uncertain significance for Hereditary cancer-predisposing syndrome. Last evaluated: 2018-01-05. Review status: criteria provided, single submitter. Criteria: Ambry Variant Classification Scheme 2023. Collection method: clinical testing. Allele origin: germline.
Comment: The p.N293T variant (also known as c.878A>C), located in coding exon 6 of the BRIP1 gene, results from an A to C substitution at nucleotide position 878. The asparagine at codon 293 is replaced by threonine, an amino acid with similar properties. This amino acid position is highly conserved in available vertebrate species. In addition, this alteration is predicted to be tolerated by in silico analysis. Since supporting evidence is limited at this time, the clinical significance of this alteration remains unclear.

NM_032043.3(BRIP1):c.878A>C (p.Asn293Thr)

Gene: BRIP1 (BRCA1 interacting DNA helicase 1; minus strand). Cytogenetic location: 17q23.2.
Variant type: single nucleotide variant.
Coding change: c.878A>C on transcript NM_032043.3 (MANE Select); coding-DNA position 878, A replaced by C.
Protein change: p.Asn293Thr; replaces asparagine 293 with threonine.
Molecular consequence: missense variant.
Genome position (GRCh38, 1-based): chr17:61,808,507, T>G on the plus strand (A>C on the coding strand, the complement: BRIP1 is on the minus strand). VCF-style: chr17-61808507-T-G. GRCh37 (hg19) VCF-style: chr17-59885868-T-G.
Other names: short protein forms N293T.
Identifiers: ClinVar variation 822730 (VCV000822730.4), dbSNP rs746599076, ClinGen allele CA400484723.